The following is an entry in ClinVar:

ClinVar aggregate classification (germline): Conflicting classifications of pathogenicity. Review status: criteria provided, conflicting classifications (1 of 4 stars). 11 submissions from 11 submitters: Uncertain significance (1); Benign (4); Likely benign (4). 2 of the submissions do not count toward it. Last evaluated 2026-08-01.

Conditions:
Cardiovascular phenotype. Identifiers: MedGen CN230736.
Cardiomyopathy (CMYO). Also called: Cardiomyopathies. Identifiers: Orphanet 167848, MedGen C0878544, MONDO:0004994, HP:0001638. Inheritance: Various modes of inheritance.
Catecholaminergic polymorphic ventricular tachycardia 1. Also called: VENTRICULAR TACHYCARDIA, STRESS-INDUCED POLYMORPHIC 1; VENTRICULAR TACHYCARDIA, CATECHOLAMINERGIC POLYMORPHIC, 1, WITH OR WITHOUT ATRIAL DYSFUNCTION AND/OR DILATED CARDIOMYOPATHY; RYR2-Related Catecholaminergic Polymorphic Ventricular Tachycardia. Identifiers: Orphanet 3286, MedGen C1631597, MONDO:0011484, OMIM 604772.

Allele frequency attached by ClinVar (database versions not stated): gnomAD exomes 0.00005 and 0.00018; ExAC 0.00019; ESP Exome Variant Server 0.00058; gnomAD 0.00066 and 0.00071; 1000 Genomes Project 30x 0.00078; 1000 Genomes Project 0.00080; TOPMed 0.00082.
gnomAD v4.1: 184 of 1,613,860 alleles (0.011%); highest among the groups gnomAD compares: African/African-American, 0.21%; 1 homozygote.

Submissions (11):

CeGaT Center for Human Genetics Tuebingen
Classification: Likely benign. Last evaluated: 2026-08-01. Review status: criteria provided, single submitter. Criteria: CeGaT Center For Human Genetics Tuebingen Variant Classification Criteria Version 2. Collection method: clinical testing. Allele origin: germline. Affected: yes. Observed: 1 variant allele.
Comment: RYR2: BP4, BP7, BS1

Labcorp Genetics (formerly Invitae), Labcorp
Classification: Benign for Catecholaminergic polymorphic ventricular tachycardia 1. Last evaluated: 2026-01-26. Review status: criteria provided, single submitter. Criteria: Invitae Variant Classification Sherloc (09022015). Collection method: clinical testing. Allele origin: germline.

Blueprint Genetics
Classification: Likely benign. Last evaluated: 2024-02-01. Review status: criteria provided, single submitter. Criteria: ACMG Guidelines, 2015. Collection method: clinical testing. Allele origin: germline.

Color Diagnostics, LLC DBA Color Health
Classification: Benign for Cardiomyopathy. Last evaluated: 2019-08-14. Review status: criteria provided, single submitter. Criteria: ACMG Guidelines, 2015. Collection method: clinical testing. Allele origin: germline.

CHEO Genetics Diagnostic Laboratory, Children's Hospital of Eastern Ontario
Classification: Benign for Cardiomyopathy. Last evaluated: 2018-02-28. Review status: criteria provided, single submitter. Criteria: ACMG Guidelines, 2015. Collection method: clinical testing. Allele origin: germline.

Ambry Genetics
Classification: Likely benign for Cardiovascular phenotype. Last evaluated: 2016-12-08. Review status: criteria provided, single submitter. Criteria: Ambry Variant Classification Scheme 2023. Collection method: clinical testing. Allele origin: germline.

Eurofins Ntd Llc (ga)
Classification: Uncertain significance. Last evaluated: 2016-08-24. Review status: criteria provided, single submitter. Criteria: EGL Classification Definitions 2015. Collection method: clinical testing. Allele origin: germline. Observed: 1 variant allele, 1 heterozygote.

GeneDx
Classification: Benign. Last evaluated: 2015-03-03. Review status: criteria provided, single submitter. Criteria: GeneDx Variant Classification Process June 2021. Collection method: clinical testing. Allele origin: germline. Affected: yes.

Laboratory for Molecular Medicine, Mass General Brigham Personalized Medicine
Classification: Likely benign. Last evaluated: 2012-03-19. Review status: criteria provided, single submitter. Criteria: LMM Criteria. Collection method: clinical testing. Allele origin: germline. Observed: 1 variant allele.
Comment: Gly4828Gly in exon 101 of RYR2: This variant is not expected to have clinical si gnificance because it does not alter an amino acid residue and is not located wi thin the splice consensus sequence. It has been identified in 0.1% (4/3164) of A frican American chromosomes from a broad population by the NHLBI Exome Sequencin g Project (rs370996795). Gly4828Gly in exon 1 01 of RYR2 (rs370996795, allele frequency = 0.1%, 4/3164) **

Clinical Genetics DNA and cytogenetics Diagnostics Lab, Erasmus MC, Erasmus Medical Center
Classification: Likely benign. Review status: no assertion criteria provided. Collection method: clinical testing. Allele origin: germline. Affected: yes. Study: VKGL Data-share Consensus. Not counted in ClinVar's aggregate classification.

Diagnostic Laboratory, Department of Genetics, University Medical Center Groningen
Classification: Likely benign. Review status: no assertion criteria provided. Collection method: clinical testing. Allele origin: germline. Affected: yes. Study: VKGL Data-share Consensus. Not counted in ClinVar's aggregate classification.

NM_001035.3(RYR2):c.14484G>T (p.Gly4828=)

Gene: RYR2 (ryanodine receptor 2; plus strand). Cytogenetic location: 1q43.
Variant type: single nucleotide variant.
Coding change: c.14484G>T on transcript NM_001035.3 (MANE Select); coding-DNA position 14484, G replaced by T.
Protein change: p.Gly4828=; no amino-acid change (glycine 4828 retained).
Molecular consequence: synonymous variant.
Genome position (GRCh38, 1-based): chr1:237,819,086, G>T. VCF-style: chr1-237819086-G-T. GRCh37 (hg19) VCF-style: chr1-237982386-G-T.
Identifiers: ClinVar variation 178127 (VCV000178127.37), dbSNP rs370996795, ClinGen allele CA008287.